The following is an entry in ClinVar:

NM_006946.4(SPTBN2):c.2059C>T (p.Arg687Trp)

Gene: SPTBN2 (spectrin beta, non-erythrocytic 2; minus strand). Cytogenetic location: 11q13.2.
Variant type: single nucleotide variant.
Coding change: c.2059C>T on transcript NM_006946.4 (MANE Select); coding-DNA position 2059, C replaced by T.
Protein change: p.Arg687Trp; replaces arginine 687 with tryptophan.
Molecular consequence: missense variant.
Genome position (GRCh38, 1-based): chr11:66,705,217, G>A on the plus strand (C>T on the coding strand, the complement: SPTBN2 is on the minus strand). VCF-style: chr11-66705217-G-A. GRCh37 (hg19) VCF-style: chr11-66472688-G-A.
Other names: short protein forms R687W.
Identifiers: ClinVar variation 1422207 (VCV001422207.6), dbSNP rs1411263285, ClinGen allele CA381478926.
Genomic context (GRCh38, chr11:66,705,217, plus strand): 5'-ACTGCTGGCCCTGCTCCAGGGTGAGCTTCAGGGGCCCCAGCCGGCCGCTCATCTCGCCCC[G>A]CAGGGCTGTGTGCTTGTTGAGCAGGCGGAGGGCACCGGTCAGGTCTCGGCCCGTGTCGGC-3'
Protein context (NP_008877.2, residues 677-697): LRLLNKHTAL[Arg687Trp]GEMSGRLGPL

ClinVar aggregate classification (germline): Uncertain significance (1 of 4 stars; one submission).

Allele frequency attached by ClinVar (database versions not stated): TOPMed below 0.00001; gnomAD 0.00001; gnomAD exomes 0.00001.
gnomAD v4.1: 11 of 1,547,502 alleles (0.00071%); highest among the groups gnomAD compares: South Asian, 0.0047%; no homozygotes.

Submission:

Labcorp Genetics (formerly Invitae), Labcorp
Classification: Uncertain significance. Last evaluated: 2022-10-17. Review status: criteria provided, single submitter. Criteria: Invitae Variant Classification Sherloc (09022015). Collection method: clinical testing. Allele origin: germline.
Comment: This sequence change replaces arginine, which is basic and polar, with tryptophan, which is neutral and slightly polar, at codon 687 of the SPTBN2 protein (p.Arg687Trp). The frequency data for this variant in the population databases is considered unreliable, as metrics indicate poor data quality at this position in the gnomAD database. This variant has not been reported in the literature in individuals affected with SPTBN2-related conditions. ClinVar contains an entry for this variant (Variation ID: 1422207). Advanced modeling of protein sequence and biophysical properties (such as structural, functional, and spatial information, amino acid conservation, physicochemical variation, residue mobility, and thermodynamic stability) performed at Invitae indicates that this missense variant is expected to disrupt SPTBN2 protein function. In summary, the available evidence is currently insufficient to determine the role of this variant in disease. Therefore, it has been classified as a Variant of Uncertain Significance.